The following is an entry in ClinVar:

NM_004329.3(BMPR1A):c.751G>A (p.Gly251Ser)

Gene: BMPR1A (bone morphogenetic protein receptor type 1A; plus strand). Cytogenetic location: 10q23.2.
Variant type: single nucleotide variant.
Coding change: c.751G>A on transcript NM_004329.3 (MANE Select); coding-DNA position 751, G replaced by A.
Protein change: p.Gly251Ser; replaces glycine 251 with serine.
Molecular consequence: missense variant. On other transcripts: non-coding transcript variant (3).
Genome position (GRCh38, 1-based): chr10:86,917,209, G>A. VCF-style: chr10-86917209-G-A. GRCh37 (hg19) VCF-style: chr10-88676966-G-A.
Other names: c.751G>A, p.Gly251Ser (NM_001406575.1, NM_001406576.1, NM_001406577.1 and 19 more transcripts); c.745G>A, p.Gly249Ser (NM_001406583.1); c.667G>A, p.Gly223Ser (NM_001406584.1, NM_001406585.1, NM_001406586.1 and 2 more transcripts); c.826G>A, p.Gly276Ser (NM_001406559.1); c.799G>A, p.Gly267Ser (NM_001406560.1); c.409G>A, p.Gly137Ser (NM_001406589.1); short protein forms G251S, G223S, G249S, G276S, G137S, G267S.
Identifiers: ClinVar variation 5033010 (VCV005033010.1).

ClinVar aggregate classification (germline): Uncertain significance (1 of 4 stars; one submission).

Conditions:
Hereditary cancer-predisposing syndrome. Also called: Neoplastic Syndromes, Hereditary; Tumor predisposition; Hereditary neoplastic syndrome; Hereditary Cancer Syndrome. Identifiers: Orphanet 140162, MedGen C0027672, MeSH D009386, MONDO:0015356.

Submission:

Ambry Genetics
Classification: Uncertain significance for Hereditary cancer-predisposing syndrome. Last evaluated: 2026-07-07. Review status: criteria provided, single submitter. Criteria: Ambry Variant Classification Scheme 2023. Collection method: clinical testing. Allele origin: germline.
Comment: The p.G251S variant (also known as c.751G>A), located in coding exon 7 of the BMPR1A gene, results from a G to A substitution at nucleotide position 751. The glycine at codon 251 is replaced by serine, an amino acid with similar properties. This amino acid position is conserved. In addition, this alteration is predicted to be deleterious by in silico analysis. Based on the available evidence, the clinical significance of this variant remains unclear.